The following is an entry in ClinVar:

ClinVar aggregate classification (germline): Pathogenic (1 of 4 stars; one submission).

Conditions:
Familial cancer of breast. Also called: BREAST CANCER, FAMILIAL; Hereditary breast cancer; hereditary breast carcinoma. Identifiers: Orphanet 227535, MedGen C0346153, MONDO:0016419, OMIM 114480. Disease mechanism: loss of function.

Submission:

Myriad Genetics, Inc.
Classification: Pathogenic for Familial cancer of breast. Last evaluated: 2024-01-25. Review status: criteria provided, single submitter. Criteria: Myriad Autosomal Dominant, Autosomal Recessive and X-Linked Classification Criteria (2023). Collection method: clinical testing. Allele origin: unknown.
Comment: This variant is considered pathogenic. This variant creates a frameshift predicted to result in premature protein truncation.

NM_000051.4(ATM):c.4955del (p.Leu1652fs)

Gene: ATM (ATM serine/threonine kinase; plus strand). Cytogenetic location: 11q22.3.
Variant type: Deletion.
Coding change: c.4955del on transcript NM_000051.4 (MANE Select); coding-DNA position 4955, one base deleted (T; older notation c.4955delT).
Protein change: p.Leu1652fs; shifts the reading frame from leucine 1652.
Molecular consequence: frameshift variant.
Genome position (GRCh38, 1-based): chr11:108,297,332, T deleted; the last of 2 consecutive T bases (chr11:108,297,331-108,297,332); deleting either gives the same sequence. VCF-style (leftmost placement, unchanged base first): chr11-108297330-GT-G. GRCh37 (hg19) VCF-style: chr11-108168057-GT-G.
Other names: c.4955del, p.Leu1652fs (NM_001351834.2); short protein forms L1652fs.
Identifiers: ClinVar variation 3148637 (VCV003148637.1), dbSNP rs2546954781, ClinGen allele CA2825001902.
Genomic context (GRCh38, chr11:108,297,330, plus strand): 5'-TAAAAAATTATTTCTAGATAATCCGCAAGATGGGATTATGGTGAAACTAGTTGTCAATTT[GT>G]TGCAGTTATCCAAGATGGCAATAAACCACACTGGTGAAAAAGAAGTTCTAGGTAAACTAC-3'